The following is an entry in ClinVar:

NM_001042681.2(RERE):c.1598G>A (p.Arg533His)

Gene: RERE (arginine-glutamic acid dipeptide repeats; minus strand). Cytogenetic location: 1p36.23.
Variant type: single nucleotide variant.
Coding change: c.1598G>A on transcript NM_001042681.2 (MANE Select); coding-DNA position 1598, G replaced by A.
Protein change: p.Arg533His; replaces arginine 533 with histidine.
Molecular consequence: missense variant. On other transcripts: 5 prime UTR variant (1).
Genome position (GRCh38, 1-based): chr1:8,364,198, C>T on the plus strand (G>A on the coding strand, the complement: RERE is on the minus strand). VCF-style: chr1-8364198-C-T. GRCh37 (hg19) VCF-style: chr1-8424258-C-T.
Other names: c.-65G>A (NM_001042682.2); c.1598G>A, p.Arg533His (NM_012102.4); short protein forms R533H.
Identifiers: ClinVar variation 1695693 (VCV001695693.2), dbSNP rs868352927, ClinGen allele CA17700709.

ClinVar aggregate classification (germline): Uncertain significance (1 of 4 stars; one submission).

Allele frequency attached by ClinVar (database versions not stated): gnomAD exomes below 0.00001.
gnomAD v4.1: 2 of 1,614,146 alleles (0.00012%); highest among the groups gnomAD compares: Non-Finnish European, 0.00017%; no homozygotes.

Submission:

GeneDx
Classification: Uncertain significance. Last evaluated: 2022-01-06. Review status: criteria provided, single submitter. Criteria: GeneDx Variant Classification Process June 2021. Collection method: clinical testing. Allele origin: germline. Affected: yes.
Comment: Not observed at significant frequency in large population cohorts (gnomAD); In silico analysis supports that this missense variant has a deleterious effect on protein structure/function; Has not been previously published as pathogenic or benign to our knowledge